The following is an entry in ClinVar:

ClinVar aggregate classification (germline): Uncertain significance. Review status: criteria provided, multiple submitters, no conflicts (2 of 4 stars). 6 submissions from 6 submitters: Uncertain significance (6). Last evaluated 2025-11-24.

Conditions:
Sitosterolemia 1. Identifiers: MedGen C2749759, MONDO:0020747, OMIM 210250.
Sitosterolemia 2. Identifiers: MedGen C5231453, MONDO:0020748, OMIM 618666.
Sitosterolemia (STSL). Also called: PHYTOSTEROLEMIA. Identifiers: Orphanet 2882, MedGen C0342907, MONDO:0008863.

Submissions (6):

Labcorp Genetics (formerly Invitae), Labcorp
Classification: Uncertain significance for Sitosterolemia. Last evaluated: 2025-11-24. Review status: criteria provided, single submitter. Criteria: Invitae Variant Classification Sherloc (09022015). Collection method: clinical testing. Allele origin: germline.
Comment: This sequence change replaces alanine, which is neutral and non-polar, with cysteine, which is neutral and slightly polar, at codon 98 of the ABCG5 protein (p.Ala98Cys). The frequency data for this variant in the population databases is considered unreliable, as metrics indicate poor data quality at this position in the gnomAD database. This missense change has been observed in individual(s) with low-GGT cholestasis (PMID: 38108658). ClinVar contains an entry for this variant (Variation ID: 1028260). An algorithm developed to predict the effect of missense changes on protein structure and function (PolyPhen-2) suggests that this variant is likely to be disruptive. In summary, the available evidence is currently insufficient to determine the role of this variant in disease. Therefore, it has been classified as a Variant of Uncertain Significance.

GeneDx
Classification: Uncertain significance. Last evaluated: 2025-06-20. Review status: criteria provided, single submitter. Criteria: GeneDx Variant Classification Process June 2021. Collection method: clinical testing. Allele origin: germline. Affected: yes.
Comment: Not observed at significant frequency in large population cohorts (gnomAD); In silico analysis supports a deleterious effect on protein structure/function; This variant is associated with the following publications: (PMID: 38108658)

Daryl Scott Lab, Baylor College of Medicine
Classification: Uncertain significance for Sitosterolemia 2. Last evaluated: 2024-01-01. Review status: criteria provided, single submitter. Criteria: ACMG Guidelines, 2015. Collection method: clinical testing. Allele origin: unknown. Affected: yes. Observed: 1 heterozygote.
Comment: PM2, PP3

Mayo Clinic Laboratories, Mayo Clinic
Classification: Uncertain significance. Last evaluated: 2022-05-23. Review status: criteria provided, single submitter. Criteria: ACMG Guidelines, 2015. Collection method: clinical testing. Allele origin: germline. Observed: 2 variant alleles.
Comment: PM2_supporting

Revvity Omics, Revvity
Classification: Uncertain significance for Sitosterolemia 2. Last evaluated: 2020-08-12. Review status: criteria provided, single submitter. Criteria: ACMG Guidelines, 2015. Collection method: clinical testing. Allele origin: germline.

Baylor Genetics
Classification: Uncertain significance for Sitosterolemia 1. Last evaluated: 2020-05-05. Review status: criteria provided, single submitter. Criteria: ACMG Guidelines, 2015. Collection method: clinical testing. Allele origin: unknown. Affected: yes.
Comment: This variant was determined to be of uncertain significance according to ACMG Guidelines, 2015 [PMID:25741868].

Literature cited by the submitters: PubMed 38108658 (cited by Labcorp Genetics (formerly Invitae), Labcorp).

NM_022436.3(ABCG5):c.292_293delinsTG (p.Ala98Cys)

Gene: ABCG5 (ATP binding cassette subfamily G member 5; minus strand). Cytogenetic location: 2p21.
Variant type: Indel.
Coding change: c.292_293delinsTG on transcript NM_022436.3 (MANE Select); coding-DNA positions 292 to 293, GC replaced by TG.
Protein change: p.Ala98Cys; replaces alanine 98 with cysteine.
Molecular consequence: missense variant.
Genome position (GRCh38, 1-based): chr2:43,832,056-43,832,057, GC replaced by CA on the plus strand (GC replaced by TG on the coding strand, the reverse complement: ABCG5 is on the minus strand). VCF-style: chr2-43832056-GC-CA. GRCh37 (hg19) VCF-style: chr2-44059195-GC-CA.
Other names: p.Ala98Cys; short protein forms A98C.
Identifiers: ClinVar variation 1028260 (VCV001028260.8), dbSNP rs1667984117, ClinGen allele CA2493937548.